The following is an entry in ClinVar:

ClinVar aggregate classification (germline): Uncertain significance (1 of 4 stars; one submission).

Conditions:
Inborn genetic diseases. Identifiers: MedGen C0950123, MeSH D030342.

Submission:

Ambry Genetics
Classification: Uncertain significance for Inborn genetic diseases. Last evaluated: 2026-07-13. Review status: criteria provided, single submitter. Criteria: Ambry Variant Classification Scheme 2023. Collection method: clinical testing. Allele origin: germline.
Comment: The p.Y1115C variant (also known as c.3344A>G), located in coding exon 24 of the ANKRD26 gene, results from an A to G substitution at nucleotide position 3344. The tyrosine at codon 1115 is replaced by cysteine, an amino acid with highly dissimilar properties. This amino acid position is conserved. In addition, this alteration is predicted to be tolerated by in silico analysis. Based on the available evidence, the clinical significance of this variant remains unclear.

NM_014915.3(ANKRD26):c.3344A>G (p.Tyr1115Cys)

Gene: ANKRD26 (ankyrin repeat domain 26; minus strand). Cytogenetic location: 10p12.1.
Variant type: single nucleotide variant.
Coding change: c.3344A>G on transcript NM_014915.3 (MANE Select); coding-DNA position 3344, A replaced by G.
Protein change: p.Tyr1115Cys; replaces tyrosine 1115 with cysteine.
Molecular consequence: missense variant.
Genome position (GRCh38, 1-based): chr10:27,035,106, T>C on the plus strand (A>G on the coding strand, the complement: ANKRD26 is on the minus strand). VCF-style: chr10-27035106-T-C. GRCh37 (hg19) VCF-style: chr10-27324035-T-C.
Other names: c.3341A>G, p.Tyr1114Cys (NM_001256053.2); short protein forms Y1114C, Y1115C.
Identifiers: ClinVar variation 5023049 (VCV005023049.1).